The following is an entry in ClinVar:

NM_005585.5(SMAD6):c.433dup (p.Leu145fs)

Gene: SMAD6 (SMAD family member 6; plus strand). Cytogenetic location: 15q22.31.
Variant type: Duplication.
Coding change: c.433dup on transcript NM_005585.5 (MANE Select); coding-DNA position 433, one base duplicated (C; older notation c.433dupC).
Protein change: p.Leu145fs; shifts the reading frame from leucine 145.
Molecular consequence: frameshift variant. On other transcripts: non-coding transcript variant (1).
Genome position (GRCh38, 1-based): chr15:66,703,691, C duplicated; the last of 5 consecutive C bases (chr15:66,703,687-66,703,691); duplicating any one gives the same sequence. VCF-style (leftmost placement, unchanged base first): chr15-66703686-A-AC. GRCh37 (hg19) VCF-style: chr15-66996024-A-AC.
Other names: short protein forms L145fs.
Identifiers: ClinVar variation 3343870 (VCV003343870.1).

ClinVar aggregate classification (germline): Likely pathogenic (1 of 4 stars; one submission).

Submission:

GeneDx
Classification: Likely pathogenic. Last evaluated: 2024-03-13. Review status: criteria provided, single submitter. Criteria: GeneDx Variant Classification Process June 2021. Collection method: clinical testing. Allele origin: germline. Affected: yes.
Comment: Frameshift variant predicted to result in protein truncation as the last 352 amino acids are replaced with 157 different amino acids, although loss-of-function variants have not been reported downstream of this position in the protein; Not observed at significant frequency in large population cohorts (gnomAD); This variant is associated with the following publications: (PMID: 32890272, 32499606)